The following is an entry in ClinVar:

NM_000548.5(TSC2):c.1451T>G (p.Leu484Arg)

Gene: TSC2 (TSC complex subunit 2; plus strand). Cytogenetic location: 16p13.3.
Variant type: single nucleotide variant.
Coding change: c.1451T>G on transcript NM_000548.5 (MANE Select); coding-DNA position 1451, T replaced by G.
Protein change: p.Leu484Arg; replaces leucine 484 with arginine.
Molecular consequence: missense variant. On other transcripts: 5 prime UTR variant (1), non-coding transcript variant (5).
Genome position (GRCh38, 1-based): chr16:2,064,279, T>G. VCF-style: chr16-2064279-T-G. GRCh37 (hg19) VCF-style: chr16-2114280-T-G.
Other names: c.851T>G, p.Leu284Arg (NM_001406684.1, NM_001406685.1, NM_001406686.1 and 6 more transcripts); c.107T>G, p.Leu36Arg (NM_001406689.1, NM_001406690.1, NM_001406691.1 and 6 more transcripts); c.1451T>G, p.Leu484Arg (NM_001077183.3, NM_001114382.3, NM_001363528.2 and 6 more transcripts); c.1340T>G, p.Leu447Arg (NM_001318827.2, NM_001406670.1, NM_001406678.1); c.1304T>G, p.Leu435Arg (NM_001318829.2, NM_001406675.1, NM_001406676.1 and 1 more transcripts); c.1484T>G, p.Leu495Arg (NM_001318832.2); c.1541T>G, p.Leu514Arg (NM_001406667.1, NM_001406668.1); c.1439T>G, p.Leu480Arg (NM_001406671.1, NM_001406673.1); and 3 more; short protein forms L284R, L330R, L36R, L435R, L447R, L465R, L480R, L484R.
Identifiers: ClinVar variation 4802849 (VCV004802849.1).

ClinVar aggregate classification (germline): Uncertain significance (1 of 4 stars; one submission).

Conditions:
Tuberous sclerosis 2 (TSC2). Identifiers: Orphanet 805, MedGen C1860707, MONDO:0013199, OMIM 613254.

Submission:

Labcorp Genetics (formerly Invitae), Labcorp
Classification: Uncertain significance for Tuberous sclerosis 2. Last evaluated: 2025-06-22. Review status: criteria provided, single submitter. Criteria: Invitae Variant Classification Sherloc (09022015). Collection method: clinical testing. Allele origin: germline.
Comment: This sequence change replaces leucine, which is neutral and non-polar, with arginine, which is basic and polar, at codon 484 of the TSC2 protein (p.Leu484Arg). This variant is not present in population databases (gnomAD no frequency). This variant has not been reported in the literature in individuals affected with TSC2-related conditions. Invitae Evidence Modeling of protein sequence and biophysical properties (such as structural, functional, and spatial information, amino acid conservation, physicochemical variation, residue mobility, and thermodynamic stability) indicates that this missense variant is not expected to disrupt TSC2 protein function with a negative predictive value of 95%. In summary, the available evidence is currently insufficient to determine the role of this variant in disease. Therefore, it has been classified as a Variant of Uncertain Significance.